The following is an entry in ClinVar:

ClinVar aggregate classification (germline): Likely benign (1 of 4 stars; one submission).

gnomAD v4.1: 7 of 1,526,698 alleles (0.00046%); highest among the groups gnomAD compares: Non-Finnish European, 0.00061%; no homozygotes.

Submission:

CeGaT Center for Human Genetics Tuebingen
Classification: Likely benign. Last evaluated: 2026-05-01. Review status: criteria provided, single submitter. Criteria: CeGaT Center For Human Genetics Tuebingen Variant Classification Criteria Version 2. Collection method: clinical testing. Allele origin: germline. Affected: yes. Observed: 1 variant allele.
Comment: TCF15: BP4, BP7

NM_004609.4(TCF15):c.366G>A (p.Ala122=)

Gene: TCF15 (transcription factor 15; minus strand). Cytogenetic location: 20p13.
Variant type: single nucleotide variant.
Coding change: c.366G>A on transcript NM_004609.4 (MANE Select); coding-DNA position 366, G replaced by A.
Protein change: p.Ala122=; no amino-acid change (alanine 122 retained).
Molecular consequence: synonymous variant.
Genome position (GRCh38, 1-based): chr20:609,872, C>T on the plus strand (G>A on the coding strand, the complement: TCF15 is on the minus strand). VCF-style: chr20-609872-C-T. GRCh37 (hg19) VCF-style: chr20-590516-C-T.
Identifiers: ClinVar variation 4873513 (VCV004873513.2).